The following is an entry in ClinVar:

ClinVar aggregate classification (germline): Uncertain significance. Review status: criteria provided, multiple submitters, no conflicts (2 of 4 stars). 2 submissions from 2 submitters: Uncertain significance (2). Last evaluated 2024-10-13.

Conditions:
Dystonia 12 (DYT12). Also called: Rapid-Onset Dystonia-Parkinsonism (RDP); DYT-ATP1A3. Identifiers: Orphanet 71517, MedGen C1868681, MONDO:0007496, OMIM 128235.

Submissions (2):

GeneDx
Classification: Uncertain significance. Last evaluated: 2024-10-13. Review status: criteria provided, single submitter. Criteria: GeneDx Variant Classification Process June 2021. Collection method: clinical testing. Allele origin: germline. Affected: yes.
Comment: Not observed at significant frequency in large population cohorts (gnomAD); In silico analysis indicates that this missense variant does not alter protein structure/function; Has not been previously published as pathogenic or benign to our knowledge

Labcorp Genetics (formerly Invitae), Labcorp
Classification: Uncertain significance for Dystonia 12. Last evaluated: 2024-09-15. Review status: criteria provided, single submitter. Criteria: Invitae Variant Classification Sherloc (09022015). Collection method: clinical testing. Allele origin: germline.
Comment: This sequence change replaces alanine, which is neutral and non-polar, with valine, which is neutral and non-polar, at codon 58 of the ATP1A3 protein (p.Ala58Val). This variant is not present in population databases (gnomAD no frequency). This variant has not been reported in the literature in individuals affected with ATP1A3-related conditions. Invitae Evidence Modeling of protein sequence and biophysical properties (such as structural, functional, and spatial information, amino acid conservation, physicochemical variation, residue mobility, and thermodynamic stability) indicates that this missense variant is expected to disrupt ATP1A3 protein function with a positive predictive value of 95%. In summary, the available evidence is currently insufficient to determine the role of this variant in disease. Therefore, it has been classified as a Variant of Uncertain Significance.

NM_152296.5(ATP1A3):c.173C>T (p.Ala58Val)

Gene: ATP1A3 (ATPase Na+/K+ transporting subunit alpha 3; minus strand). Cytogenetic location: 19q13.2.
Variant type: single nucleotide variant.
Coding change: c.173C>T on transcript NM_152296.5 (MANE Select); coding-DNA position 173, C replaced by T.
Protein change: p.Ala58Val; replaces alanine 58 with valine.
Molecular consequence: missense variant.
Genome position (GRCh38, 1-based): chr19:41,988,120, G>A on the plus strand (C>T on the coding strand, the complement: ATP1A3 is on the minus strand). VCF-style: chr19-41988120-G-A. GRCh37 (hg19) VCF-style: chr19-42492272-G-A.
Other names: c.206C>T, p.Ala69Val (NM_001256213.2); c.212C>T, p.Ala71Val (NM_001256214.2); c.173C>T (NM_152296.4); short protein forms A69V, A58V, A71V.
Identifiers: ClinVar variation 3636272 (VCV003636272.3).